The following is an entry in ClinVar:

ClinVar aggregate classification (germline): Uncertain significance (1 of 4 stars; one submission).

gnomAD v4.1: 2 of 1,614,210 alleles (0.00012%); highest among the groups gnomAD compares: Admixed American, 0.0017%; no homozygotes.

Submission:

Women's Health and Genetics/Laboratory Corporation of America, LabCorp
Classification: Uncertain significance. Last evaluated: 2025-07-09. Review status: criteria provided, single submitter. Criteria: LabCorp Variant Classification Summary - May 2015. Collection method: clinical testing. Allele origin: germline.
Comment: Variant summary: DDC c.419G>T (p.Gly140Val) results in a non-conservative amino acid change in the encoded protein sequence. Algorithms developed to predict the effect of missense changes on protein structure and function all suggest that this variant is likely to be disruptive. The variant allele was found at a frequency of 4e-06 in 251464 control chromosomes. The available data on variant occurrences in the general population are insufficient to allow any conclusion about variant significance. To our knowledge, no occurrence of c.419G>T in individuals affected with Deficiency Of Aromatic-L-Amino-Acid Decarboxylase and no experimental evidence demonstrating its impact on protein function have been reported. No submitters have cited clinical-significance assessments for this variant to ClinVar. Based on the evidence outlined above, the variant was classified as uncertain significance.

NM_001082971.2(DDC):c.419G>T (p.Gly140Val)

Genes: DDC (dopa decarboxylase; minus strand), DDC-AS1 (DDC antisense RNA 1; plus strand). Cytogenetic location: 7p12.1.
Variant type: single nucleotide variant.
Coding change: c.419G>T on transcript NM_001082971.2 (MANE Select); coding-DNA position 419, G replaced by T.
Protein change: p.Gly140Val; replaces glycine 140 with valine.
Molecular consequence: missense variant. On other transcripts: intron variant (1).
Genome position (GRCh38, 1-based): chr7:50,537,876, C>A on the plus strand (G>T on the coding strand, the complement: DDC is on the minus strand). VCF-style: chr7-50537876-C-A. GRCh37 (hg19) VCF-style: chr7-50605574-C-A.
Other names: c.419G>T, p.Gly140Val (NM_000790.4, NM_001242887.2, NM_001242889.2 and 1 more transcripts); c.305G>T, p.Gly102Val (NM_001242886.2); c.201+6009G>T (NM_001242888.2); short protein forms G102V, G140V.
Identifiers: ClinVar variation 4526039 (VCV004526039.1).